The following is an entry in ClinVar:

NM_000543.5(SMPD1):c.729C>T (p.Ala243=)

Gene: SMPD1 (sphingomyelin phosphodiesterase 1; plus strand). Cytogenetic location: 11p15.4.
Variant type: single nucleotide variant.
Coding change: c.729C>T on transcript NM_000543.5 (MANE Select); coding-DNA position 729, C replaced by T.
Protein change: p.Ala243=; no amino-acid change (alanine 243 retained).
Molecular consequence: synonymous variant. On other transcripts: 5 prime UTR variant (1), non-coding transcript variant (1).
Genome position (GRCh38, 1-based): chr11:6,391,794, C>T. VCF-style: chr11-6391794-C-T. GRCh37 (hg19) VCF-style: chr11-6413024-C-T.
Other names: c.726C>T, p.Ala242= (NM_001007593.3); c.729C>T, p.Ala243= (NM_001318087.2, NM_001365135.2); c.-233C>T (NM_001318088.2).
Identifiers: ClinVar variation 305198 (VCV000305198.46), dbSNP rs149476159, ClinGen allele CA5852672.

ClinVar aggregate classification (germline): Conflicting classifications of pathogenicity. Review status: criteria provided, conflicting classifications (1 of 4 stars). 8 submissions from 8 submitters: Uncertain significance (2); Likely benign (4). 2 of the submissions do not count toward it. Last evaluated 2026-01-25.

Conditions:
SMPD1-related disorder. Also called: SMPD1-related condition.
Sphingomyelin/cholesterol lipidosis. Also called: Niemann-Pick disease. Identifiers: MedGen C0028064, MONDO:0001982.
Niemann-Pick disease, type B. Also called: Chronic Visceral ASMD (Niemann-Pick Disease Type B; NPD-B). Identifiers: Orphanet 77293, MedGen C0268243, MONDO:0011871, OMIM 607616. Disease mechanism: loss of function.
Niemann-Pick disease, type A. Also called: SPHINGOMYELIN LIPIDOSIS; SPHINGOMYELINASE DEFICIENCY; Infantile Neurovisceral ASMD (Niemann-Pick Disease Type A; NPD-A). Identifiers: Orphanet 77292, MedGen C0268242, MONDO:0009756, OMIM 257200. Disease mechanism: loss of function.
Inborn genetic diseases. Identifiers: MedGen C0950123, MeSH D030342.

Allele frequency attached by ClinVar (database versions not stated): gnomAD 0.00010 and 0.00011; TOPMed 0.00011; gnomAD exomes 0.00012; ExAC 0.00013; ESP Exome Variant Server 0.00015.
gnomAD v4.1: 178 of 1,612,436 alleles (0.011%); highest among the groups gnomAD compares: Non-Finnish European, 0.014%; no homozygotes.

Submissions (8):

Labcorp Genetics (formerly Invitae), Labcorp
Classification: Likely benign for Niemann-Pick disease, type B; Niemann-Pick disease, type A. Last evaluated: 2026-01-25. Review status: criteria provided, single submitter. Criteria: Invitae Variant Classification Sherloc (09022015). Collection method: clinical testing. Allele origin: germline.

CeGaT Center for Human Genetics Tuebingen
Classification: Likely benign. Last evaluated: 2026-01-01. Review status: criteria provided, single submitter. Criteria: CeGaT Center For Human Genetics Tuebingen Variant Classification Criteria Version 2. Collection method: clinical testing. Allele origin: germline. Affected: yes. Observed: 3 variant alleles.
Comment: SMPD1: BP4, BP7

Blueprint Genetics
Classification: Likely benign. Last evaluated: 2024-10-24. Review status: criteria provided, single submitter. Criteria: ACMG Guidelines, 2015. Collection method: clinical testing. Allele origin: germline.

Ambry Genetics
Classification: Likely benign for Inborn genetic diseases. Last evaluated: 2023-07-24. Review status: criteria provided, single submitter. Criteria: Ambry Variant Classification Scheme 2023. Collection method: clinical testing. Allele origin: germline.

Eurofins Ntd Llc (ga)
Classification: Uncertain significance. Last evaluated: 2018-07-06. Review status: criteria provided, single submitter. Criteria: EGL ClinVar v180209 classification definitions. Collection method: clinical testing. Allele origin: germline. Observed: 2 variant alleles, 2 heterozygotes.

Illumina Laboratory Services, Illumina
Classification: Uncertain significance for Niemann-Pick disease, type A. Last evaluated: 2018-01-12. Review status: criteria provided, single submitter. Criteria: ICSL Variant Classification Criteria 13 December 2019. Collection method: clinical testing. Allele origin: germline.

PreventionGenetics, part of Exact Sciences
Classification: Likely benign for SMPD1-related condition. Last evaluated: 2021-09-15. Review status: no assertion criteria provided. Collection method: clinical testing. Allele origin: germline. Not counted in ClinVar's aggregate classification.
Comment: This variant is classified as likely benign based on ACMG/AMP sequence variant interpretation guidelines (Richards et al. 2015 PMID: 25741868, with internal and published modifications).

Natera, Inc.
Classification: Uncertain significance for Acid sphingomyelinase deficiency. Last evaluated: 2020-04-22. Review status: no assertion criteria provided. Collection method: clinical testing. Allele origin: germline. Not counted in ClinVar's aggregate classification.